The following is an entry in ClinVar:

NM_000548.5(TSC2):c.352G>T (p.Val118Phe)

Gene: TSC2 (TSC complex subunit 2; plus strand). Cytogenetic location: 16p13.3.
Variant type: single nucleotide variant.
Coding change: c.352G>T on transcript NM_000548.5 (MANE Select); coding-DNA position 352, G replaced by T.
Protein change: p.Val118Phe; replaces valine 118 with phenylalanine.
Molecular consequence: missense variant. On other transcripts: intron variant (1).
Genome position (GRCh38, 1-based): chr16:2,054,311, G>T. VCF-style: chr16-2054311-G-T. GRCh37 (hg19) VCF-style: chr16-2104312-G-T.
Other names: c.352G>T, p.Val118Phe (NM_001077183.3, NM_001114382.3, NM_001363528.2 and 3 more transcripts); c.241G>T, p.Val81Phe (NM_001318827.2); c.205G>T, p.Val69Phe (NM_001318829.2); c.385G>T, p.Val129Phe (NM_001318832.2); c.-1-1885G>T (NM_001318831.2); short protein forms V118F, V129F, V69F, V81F.
Identifiers: ClinVar variation 238019 (VCV000238019.20), dbSNP rs878854094, ClinGen allele CA10583280.

ClinVar aggregate classification (germline): Uncertain significance. Review status: criteria provided, multiple submitters, no conflicts (2 of 4 stars). 5 submissions from 5 submitters: Uncertain significance (5). Last evaluated 2024-08-22.

Conditions:
Lymphangiomyomatosis (LAM). Also called: Lymphangioleiomyomatosis; Lymphangioleiomyomatosis, somatic. Identifiers: Orphanet 538, MedGen C0751674, MONDO:0011705, OMIM 606690.
Tuberous sclerosis 2 (TSC2). Identifiers: Orphanet 805, MedGen C1860707, MONDO:0013199, OMIM 613254.
Isolated focal cortical dysplasia type II (FCORD2). Also called: Focal cortical dysplasia type II; CORTICAL DYSPLASIA OF TAYLOR. Identifiers: Orphanet 268994, MedGen C1846385, MONDO:0011818, OMIM 607341, HP:0032051.
Hereditary cancer-predisposing syndrome. Also called: Tumor predisposition; Hereditary neoplastic syndrome; Hereditary Cancer Syndrome; Neoplastic Syndromes, Hereditary. Identifiers: Orphanet 140162, MedGen C0027672, MeSH D009386, MONDO:0015356.

Allele frequency attached by ClinVar (database versions not stated): gnomAD 0.00001; TOPMed below 0.00001.
gnomAD v4.1: 2 of 1,614,068 alleles (0.00012%); highest among the groups gnomAD compares: African/African-American, 0.0013%; no homozygotes.

Submissions (5):

Labcorp Genetics (formerly Invitae), Labcorp
Classification: Uncertain significance for Tuberous sclerosis 2. Last evaluated: 2024-08-22. Review status: criteria provided, single submitter. Criteria: Invitae Variant Classification Sherloc (09022015). Collection method: clinical testing. Allele origin: germline.
Comment: This sequence change replaces valine, which is neutral and non-polar, with phenylalanine, which is neutral and non-polar, at codon 118 of the TSC2 protein (p.Val118Phe). This variant is not present in population databases (gnomAD no frequency). This variant has not been reported in the literature in individuals affected with TSC2-related conditions. ClinVar contains an entry for this variant (Variation ID: 238019). Invitae Evidence Modeling of protein sequence and biophysical properties (such as structural, functional, and spatial information, amino acid conservation, physicochemical variation, residue mobility, and thermodynamic stability) indicates that this missense variant is not expected to disrupt TSC2 protein function with a negative predictive value of 95%. In summary, the available evidence is currently insufficient to determine the role of this variant in disease. Therefore, it has been classified as a Variant of Uncertain Significance.

Fulgent Genetics
Classification: Uncertain significance for Lymphangiomyomatosis; Isolated focal cortical dysplasia type II; Tuberous sclerosis 2. Last evaluated: 2024-01-02. Review status: criteria provided, single submitter. Criteria: ACMG Guidelines, 2015. Collection method: clinical testing. Allele origin: germline.

Ambry Genetics
Classification: Uncertain significance for Hereditary cancer-predisposing syndrome. Last evaluated: 2023-10-03. Review status: criteria provided, single submitter. Criteria: Ambry Variant Classification Scheme 2023. Collection method: clinical testing. Allele origin: germline.
Comment: The p.V118F variant (also known as c.352G>T), located in coding exon 4 of the TSC2 gene, results from a G to T substitution at nucleotide position 352. The valine at codon 118 is replaced by phenylalanine, an amino acid with highly similar properties. This amino acid position is not well conserved in available vertebrate species. In addition, the in silico prediction for this alteration is inconclusive. Since supporting evidence is limited at this time, the clinical significance of this alteration remains unclear.

GeneDx
Classification: Uncertain significance. Last evaluated: 2023-07-13. Review status: criteria provided, single submitter. Criteria: GeneDx Variant Classification Process June 2021. Collection method: clinical testing. Allele origin: germline.
Comment: Not observed at significant frequency in large population cohorts (gnomAD); In silico analysis supports that this missense variant has a deleterious effect on protein structure/function; Has not been previously published as pathogenic or benign to our knowledge; This variant is associated with the following publications: (PMID: 18466115)

Genome-Nilou Lab
Classification: Uncertain significance for Tuberous sclerosis 2. Last evaluated: 2021-11-07. Review status: criteria provided, single submitter. Criteria: ACMG Guidelines, 2015. Collection method: clinical testing. Allele origin: germline. Affected: no.